The following is an entry in ClinVar:

ClinVar aggregate classification (germline): Conflicting classifications of pathogenicity. Review status: criteria provided, conflicting classifications (1 of 4 stars). 2 submissions from 2 submitters: Uncertain significance (1); Likely benign (1). Last evaluated 2025-11-19.

Conditions:
Inborn genetic diseases. Identifiers: MedGen C0950123, MeSH D030342.
Fanconi anemia (FA). Also called: Fanconi's anemia. Identifiers: Orphanet 84, MedGen C0015625, MeSH D005199, MONDO:0019391.

Allele frequency attached by ClinVar (database versions not stated): gnomAD exomes 0.00001; ExAC 0.00003.
gnomAD v4.1: 9 of 1,209,703 alleles (0.00074%); highest among the groups gnomAD compares: South Asian, 0.014%; no homozygotes.

Submissions (2):

Labcorp Genetics (formerly Invitae), Labcorp
Classification: Uncertain significance for Fanconi anemia. Last evaluated: 2025-11-19. Review status: criteria provided, single submitter. Criteria: Invitae Variant Classification Sherloc (09022015). Collection method: clinical testing. Allele origin: germline.
Comment: This sequence change replaces leucine, which is neutral and non-polar, with valine, which is neutral and non-polar, at codon 587 of the FANCB protein (p.Leu587Val). This variant is present in population databases (rs748958265, gnomAD 0.02%), including at least one homozygous and/or hemizygous individual. This variant has not been reported in the literature in individuals affected with FANCB-related conditions. ClinVar contains an entry for this variant (Variation ID: 2972399). Invitae Evidence Modeling of protein sequence and biophysical properties (such as structural, functional, and spatial information, amino acid conservation, physicochemical variation, residue mobility, and thermodynamic stability) indicates that this missense variant is expected to disrupt FANCB protein function with a positive predictive value of 80%. In summary, the available evidence is currently insufficient to determine the role of this variant in disease. Therefore, it has been classified as a Variant of Uncertain Significance.

Ambry Genetics
Classification: Likely benign for Inborn genetic diseases. Last evaluated: 2023-10-17. Review status: criteria provided, single submitter. Criteria: Ambry Variant Classification Scheme 2023. Collection method: clinical testing. Allele origin: germline.

NM_001018113.3(FANCB):c.1759C>G (p.Leu587Val)

Gene: FANCB (FA complementation group B; minus strand). Cytogenetic location: Xp22.2.
Variant type: single nucleotide variant.
Coding change: c.1759C>G on transcript NM_001018113.3 (MANE Select); coding-DNA position 1759, C replaced by G.
Protein change: p.Leu587Val; replaces leucine 587 with valine.
Molecular consequence: missense variant.
Genome position (GRCh38, 1-based): chrX:14,845,024, G>C on the plus strand (C>G on the coding strand, the complement: FANCB is on the minus strand). VCF-style: chrX-14845024-G-C. GRCh37 (hg19) VCF-style: chrX-14863146-G-C.
Other names: c.1759C>G, p.Leu587Val (NM_001324162.2, NM_001410764.1, NM_152633.4); short protein forms L587V.
Identifiers: ClinVar variation 2972399 (VCV002972399.4), dbSNP rs748958265, ClinGen allele CA10353004.
Genomic context (GRCh38, chrX:14,845,024, plus strand): 5'-CACTTTCTCTCTCCATAATTTGTAGCAGTACAGTGCAACAAAATTTACTGAATGTTAAAA[G>C]TGGTGAAAGAGATGTTACAGCAGTAATTATCTGTACACACTCTTTCTTAGATGGGTGTTC-3'
Protein context (NP_001018123.1, residues 577-597): IITAVTSLSP[Leu587Val]LTFSKFCCTV